The following is an entry in ClinVar:

NM_015231.3(NUP160):c.3574G>C (p.Asp1192His)

Gene: NUP160 (nucleoporin 160; minus strand). Cytogenetic location: 11p11.2.
Variant type: single nucleotide variant.
Coding change: c.3574G>C on transcript NM_015231.3 (MANE Select); coding-DNA position 3574, G replaced by C.
Protein change: p.Asp1192His; replaces aspartic acid 1192 with histidine.
Molecular consequence: missense variant. On other transcripts: non-coding transcript variant (1).
Genome position (GRCh38, 1-based): chr11:47,788,252, C>G on the plus strand (G>C on the coding strand, the complement: NUP160 is on the minus strand). VCF-style: chr11-47788252-C-G. GRCh37 (hg19) VCF-style: chr11-47809804-C-G.
Other names: short protein forms D1192H.
Identifiers: ClinVar variation 2097608 (VCV002097608.4), dbSNP rs2135346265, ClinGen allele CA380369391.

ClinVar aggregate classification (germline): Uncertain significance (1 of 4 stars; one submission).

Submission:

Labcorp Genetics (formerly Invitae), Labcorp
Classification: Uncertain significance. Last evaluated: 2025-06-12. Review status: criteria provided, single submitter. Criteria: Invitae Variant Classification Sherloc (09022015). Collection method: clinical testing. Allele origin: germline.
Comment: This sequence change replaces aspartic acid, which is acidic and polar, with histidine, which is basic and polar, at codon 1226 of the NUP160 protein (p.Asp1226His). This variant is not present in population databases (gnomAD no frequency). This variant has not been reported in the literature in individuals affected with NUP160-related conditions. ClinVar contains an entry for this variant (Variation ID: 2097608). An algorithm developed to predict the effect of missense changes on protein structure and function (PolyPhen-2) suggests that this variant is likely to be disruptive. In summary, the available evidence is currently insufficient to determine the role of this variant in disease. Therefore, it has been classified as a Variant of Uncertain Significance.